The following is an entry in ClinVar:

NM_006790.3(MYOT):c.128A>C (p.Gln43Pro)

Genes: PKD2L2-DT (PKD2L2 divergent transcript; minus strand), MYOT (myotilin; plus strand). Cytogenetic location: 5q31.2.
Variant type: single nucleotide variant.
Coding change: c.128A>C on transcript NM_006790.3 (MANE Select); coding-DNA position 128, A replaced by C.
Protein change: p.Gln43Pro; replaces glutamine 43 with proline.
Molecular consequence: missense variant. On other transcripts: intron variant (2).
Genome position (GRCh38, 1-based): chr5:137,870,779, A>C. VCF-style: chr5-137870779-A-C. GRCh37 (hg19) VCF-style: chr5-137206468-A-C.
Other names: c.-120-98A>C (NM_001300911.2); c.-197+254A>C (NM_001135940.2); short protein forms Q43P.
Identifiers: ClinVar variation 3652000 (VCV003652000.2).
Genomic context (GRCh38, chr5:137,870,779, plus strand): 5'-CTCCTGGACCAGAAACCTCCAGCTTCTCTAGCCAGACCAAACAGTCTTCCATTATCATCC[A>C]GCCCCGCCAGTGTACAGAGCAAAGATTTTCTGCCTCCTCAACACTGAGCTCTCACATCAC-3'
Protein context (NP_006781.1, residues 33-53): SQTKQSSIII[Gln43Pro]PRQCTEQRFS

ClinVar aggregate classification (germline): Uncertain significance (1 of 4 stars; one submission).

Conditions:
Myofibrillar myopathy 3 (MFM3). Also called: Autosomal dominant spheroid body myopathy; Muscular dystrophy, proximal, type 1A. Identifiers: Orphanet 266, Orphanet 268129, MedGen C3714934, MONDO:0012215, OMIM 609200.

gnomAD v4.1: 2 of 1,614,018 alleles (0.00012%); highest among the groups gnomAD compares: African/African-American, 0.0027%; no homozygotes.

Submission:

Labcorp Genetics (formerly Invitae), Labcorp
Classification: Uncertain significance for Myofibrillar myopathy 3. Last evaluated: 2024-05-02. Review status: criteria provided, single submitter. Criteria: Invitae Variant Classification Sherloc (09022015). Collection method: clinical testing. Allele origin: germline.
Comment: This sequence change replaces glutamine, which is neutral and polar, with proline, which is neutral and non-polar, at codon 43 of the MYOT protein (p.Gln43Pro). This variant is present in population databases (no rsID available, gnomAD 0.01%). This variant has not been reported in the literature in individuals affected with MYOT-related conditions. An algorithm developed to predict the effect of missense changes on protein structure and function (PolyPhen-2) suggests that this variant is likely to be tolerated. In summary, the available evidence is currently insufficient to determine the role of this variant in disease. Therefore, it has been classified as a Variant of Uncertain Significance.